The following is an entry in ClinVar:

NM_000246.4(CIITA):c.3346G>A (p.Val1116Ile)

Gene: CIITA (class II major histocompatibility complex transactivator; plus strand). Cytogenetic location: 16p13.13.
Variant type: single nucleotide variant.
Coding change: c.3346G>A on transcript NM_000246.4 (MANE Select); coding-DNA position 3346, G replaced by A.
Protein change: p.Val1116Ile; replaces valine 1116 with isoleucine.
Molecular consequence: missense variant. On other transcripts: non-coding transcript variant (1).
Genome position (GRCh38, 1-based): chr16:10,923,256, G>A. VCF-style: chr16-10923256-G-A. GRCh37 (hg19) VCF-style: chr16-11017113-G-A.
Other names: c.3349G>A, p.Val1117Ile (NM_001286402.1, NM_001379332.1); c.1594G>A, p.Val532Ile (NM_001286403.2); c.3202G>A, p.Val1068Ile (NM_001379330.1); c.3199G>A, p.Val1067Ile (NM_001379331.1); c.3346G>A, p.Val1116Ile (NM_001379333.1); c.3277G>A, p.Val1093Ile (NM_001379334.1); short protein forms V1117I, V1068I, V1093I, V532I, V1067I, V1116I.
Identifiers: ClinVar variation 1351570 (VCV001351570.3), dbSNP rs1283110743, ClinGen allele CA394724622.

ClinVar aggregate classification (germline): Uncertain significance (1 of 4 stars; one submission).

Conditions:
MHC class II deficiency. Also called: Bare lymphocyte syndrome 2; BLS, TYPE II. Identifiers: Orphanet 572, MedGen C5447452, MONDO:0008855.

Submission:

Labcorp Genetics (formerly Invitae), Labcorp
Classification: Uncertain significance for MHC class II deficiency. Last evaluated: 2021-10-29. Review status: criteria provided, single submitter. Criteria: Invitae Variant Classification Sherloc (09022015). Collection method: clinical testing. Allele origin: germline.
Comment: This sequence change replaces valine, which is neutral and non-polar, with isoleucine, which is neutral and non-polar, at codon 1116 of the CIITA protein (p.Val1116Ile). The frequency data for this variant in the population databases is considered unreliable, as metrics indicate poor data quality at this position in the gnomAD database. This variant has not been reported in the literature in individuals affected with CIITA-related conditions. Algorithms developed to predict the effect of missense changes on protein structure and function are either unavailable or do not agree on the potential impact of this missense change (SIFT: "Tolerated"; PolyPhen-2: "Probably Damaging"; Align-GVGD: "Class C0"). In summary, the available evidence is currently insufficient to determine the role of this variant in disease. Therefore, it has been classified as a Variant of Uncertain Significance.